The following is an entry in ClinVar:

NM_000384.3(APOB):c.2310C>T (p.Val770=)

Gene: APOB (apolipoprotein B; minus strand). Cytogenetic location: 2p24.1.
Variant type: single nucleotide variant.
Coding change: c.2310C>T on transcript NM_000384.3 (MANE Select); coding-DNA position 2310, C replaced by T.
Protein change: p.Val770=; no amino-acid change (valine 770 retained).
Molecular consequence: synonymous variant.
Genome position (GRCh38, 1-based): chr2:21,025,059, G>A on the plus strand (C>T on the coding strand, the complement: APOB is on the minus strand). VCF-style: chr2-21025059-G-A. GRCh37 (hg19) VCF-style: chr2-21247931-G-A.
Identifiers: ClinVar variation 512932 (VCV000512932.22), dbSNP rs72653064, ClinGen allele CA055833.

ClinVar aggregate classification (germline): Benign/Likely benign. Review status: criteria provided, multiple submitters, no conflicts (2 of 4 stars). 7 submissions from 7 submitters: Benign (1); Likely benign (6). Last evaluated 2025-09-03.

Conditions:
Cardiovascular phenotype. Identifiers: MedGen CN230736.
Familial hypobetalipoproteinemia 1. Also called: Hypobetalipoproteinemia, normotriglyceridemic; Acanthocytosis with hypobetalipoproteinemia; APOB-Related Familial Hypobetalipoproteinemia. Identifiers: MedGen C4551990, MONDO:0014252, OMIM 615558.
Hypercholesterolemia, autosomal dominant, type B (FHCL2). Also called: Hyperlipoproteinemia Type IIb; Familial Hypercholesterolemia Type B; APOLIPOPROTEIN B-100, FAMILIAL DEFECTIVE; APOLIPOPROTEIN B-100, FAMILIAL LIGAND-DEFECTIVE; APOB-Related Familial Hypercholesterolemia, Autosomal Dominant; Familial hypercholesterolemia 2. Identifiers: MedGen C1704417, MONDO:0007751, OMIM 144010.
Familial hypercholesterolemia. Also called: Familial hypercholesterolemias; Familial hypercholesterolaemia. Identifiers: MedGen C0020445, MONDO:0005439.

Allele frequency attached by ClinVar (database versions not stated): gnomAD exomes 0.00003 and 0.00009; ExAC 0.00013; ESP Exome Variant Server 0.00015; TOPMed 0.00033; gnomAD 0.00035 and 0.00036; 1000 Genomes Project 30x 0.00094; 1000 Genomes Project 0.00100.
gnomAD v4.1: 95 of 1,614,218 alleles (0.0059%); highest among the groups gnomAD compares: African/African-American, 0.11%; no homozygotes.

Submissions (7):

Labcorp Genetics (formerly Invitae), Labcorp
Classification: Benign for Familial hypobetalipoproteinemia 1; Hypercholesterolemia, autosomal dominant, type B. Last evaluated: 2025-09-03. Review status: criteria provided, single submitter. Criteria: Invitae Variant Classification Sherloc (09022015). Collection method: clinical testing. Allele origin: germline.

Molecular Diagnostic Laboratory for Inherited Cardiovascular Disease, Montreal Heart Institute
Classification: Likely benign. Last evaluated: 2025-04-09. Review status: criteria provided, single submitter. Criteria: ACMG Guidelines, 2015. Collection method: clinical testing. Allele origin: germline. Affected: no.

ARUP Laboratories, Molecular Genetics and Genomics, ARUP Laboratories
Classification: Likely benign. Last evaluated: 2024-11-19. Review status: criteria provided, single submitter. Criteria: ARUP Molecular Germline Variant Investigation Process 2024. Collection method: clinical testing. Allele origin: germline.

Blueprint Genetics
Classification: Likely benign. Last evaluated: 2024-02-16. Review status: criteria provided, single submitter. Criteria: ACMG Guidelines, 2015. Collection method: clinical testing. Allele origin: germline.

GENinCode PLC
Classification: Likely benign for Familial hypercholesterolemia. Last evaluated: 2023-11-20. Review status: criteria provided, single submitter. Criteria: ACMG Guidelines, 2015. Collection method: clinical testing. Allele origin: germline.
Comment: This is a synonymous (silent) variant that is not predicted by SpliceAI to impact splicing. In addition, it occurs at a nucleotide that is not conserved. Therefore this variant has been classified as Likely Benign (BP4, BP7).

Ambry Genetics
Classification: Likely benign for Cardiovascular phenotype. Last evaluated: 2022-02-14. Review status: criteria provided, single submitter. Criteria: Ambry Variant Classification Scheme 2023. Collection method: clinical testing. Allele origin: germline.

GeneDx
Classification: Likely benign. Last evaluated: 2017-10-27. Review status: criteria provided, single submitter. Criteria: GeneDx Variant Classification (06012015). Collection method: clinical testing. Allele origin: germline. Affected: yes.
Comment: This variant is considered likely benign or benign based on one or more of the following criteria: it is a conservative change, it occurs at a poorly conserved position in the protein, it is predicted to be benign by multiple in silico algorithms, and/or has population frequency not consistent with disease.